The following is an entry in ClinVar:

ClinVar aggregate classification (germline): Likely pathogenic (1 of 4 stars; one submission).

Conditions:
ELN-related disorder.

Submission:

PreventionGenetics, part of Exact Sciences
Classification: Likely pathogenic for ELN-related condition. Last evaluated: 2026-07-24. Review status: criteria provided, single submitter. Criteria: ACMG Guidelines, 2015. Collection method: clinical testing. Allele origin: germline.
Comment: The ELN c.2_13del12 variant is predicted to disrupt the translation initiation site (Start Loss). Of note, no other in-frame methionine codons are present in the first exon of this gene, suggesting that this variant may lead to absence of the protein. To our knowledge, this variant has not been reported in the literature or in a large population database (gnomAD), indicating this variant is rare. Alternate start loss missense variants (c.1A>G, c.2T>C) have been reported in individuals with aortic and pulmonary stenosis (Urbán et al. 2000. PubMed ID: 10942104; Louw et al 2012. PubMed ID: 22740173). The c.2_13del variant is interpreted as likely pathogenic.

NM_000501.4(ELN):c.2_13del (p.Met1_Leu4del)

Gene: ELN (elastin; plus strand). Cytogenetic location: 7q11.23.
Variant type: Deletion.
Coding change: c.2_13del on transcript NM_000501.4 (MANE Select); coding-DNA positions 2 to 13, 12 bases deleted (TGGCGGGTCTGA).
Protein change: p.Met1_Leu4del.
Molecular consequence: inframe deletion, initiator codon variant.
Genome position (GRCh38, 1-based): chr7:74,028,189-74,028,200, TGGCGGGTCTGA deleted; deleting any 12 consecutive bases within chr7:74,028,187-74,028,200 gives the same sequence; the c. name uses the placement nearest the transcript's 3' end. VCF-style (leftmost placement, unchanged base first): chr7-74028186-AGATGGCGGGTCT-A. GRCh37 (hg19) VCF-style: chr7-73442516-AGATGGCGGGTCT-A.
Other names: c.2_13del, p.Met1_Leu4del (NM_001081752.3, NM_001081753.3, NM_001081754.3 and 9 more transcripts).
Identifiers: ClinVar variation 4991886 (VCV004991886.1).